The following is an entry in ClinVar:

ClinVar aggregate classification (germline): Uncertain significance (1 of 4 stars; one submission).

Conditions:
Long QT syndrome (LQTS). Identifiers: MedGen C0023976, MeSH D008133, MONDO:0002442. Disease mechanism: loss of function. Inheritance: Various modes of inheritance.

Submission:

Labcorp Genetics (formerly Invitae), Labcorp
Classification: Uncertain significance for Long QT syndrome. Last evaluated: 2022-04-07. Review status: criteria provided, single submitter. Criteria: Invitae Variant Classification Sherloc (09022015). Collection method: clinical testing. Allele origin: germline.
Comment: In summary, the available evidence is currently insufficient to determine the role of this variant in disease. Therefore, it has been classified as a Variant of Uncertain Significance. Algorithms developed to predict the effect of missense changes on protein structure and function are either unavailable or do not agree on the potential impact of this missense change (SIFT: "Deleterious"; PolyPhen-2: "Benign"; Align-GVGD: "Class C65"). ClinVar contains an entry for this variant (Variation ID: 574906). This variant has not been reported in the literature in individuals affected with KCNQ1-related conditions. This variant is not present in population databases (gnomAD no frequency). This sequence change replaces serine, which is neutral and polar, with alanine, which is neutral and non-polar, at codon 389 of the KCNQ1 protein (p.Ser389Ala).

NM_000218.3(KCNQ1):c.1165T>G (p.Ser389Ala)

Gene: KCNQ1 (potassium voltage-gated channel subfamily Q member 1; plus strand). Cytogenetic location: 11p15.5.
Variant type: single nucleotide variant.
Coding change: c.1165T>G on transcript NM_000218.3 (MANE Select); coding-DNA position 1165, T replaced by G.
Protein change: p.Ser389Ala; replaces serine 389 with alanine.
Molecular consequence: missense variant.
Genome position (GRCh38, 1-based): chr11:2,587,606, T>G. VCF-style: chr11-2587606-T-G. GRCh37 (hg19) VCF-style: chr11-2608836-T-G.
Other names: c.1069T>G, p.Ser357Ala (NM_001406836.1); c.895T>G, p.Ser299Ala (NM_001406837.1); c.625T>G, p.Ser209Ala (NM_001406838.1); c.784T>G, p.Ser262Ala (NM_181798.2); short protein forms S262A, S389A, S209A, S357A, S299A.
Identifiers: ClinVar variation 574906 (VCV000574906.11), dbSNP rs199472772, ClinGen allele CA379134714.